The following is an entry in ClinVar:

ClinVar aggregate classification (germline): Uncertain significance. Review status: criteria provided, single submitter (1 of 4 stars). 2 submissions from 2 submitters: Uncertain significance (1). 1 of the submissions does not count toward it. Last evaluated 2023-11-03.

Conditions:
Bardet-Biedl syndrome (BBS). Identifiers: Orphanet 110, MedGen C0752166, MONDO:0015229.
BBS4-related disorder. Also called: BBS4-related condition.

gnomAD v4.1: 2 of 1,612,566 alleles (0.00012%); highest among the groups gnomAD compares: African/African-American, 0.0027%; no homozygotes.

Submissions (2):

Labcorp Genetics (formerly Invitae), Labcorp
Classification: Uncertain significance for Bardet-Biedl syndrome. Last evaluated: 2023-11-03. Review status: criteria provided, single submitter. Criteria: Invitae Variant Classification Sherloc (09022015). Collection method: clinical testing. Allele origin: germline.
Comment: This sequence change replaces threonine, which is neutral and polar, with lysine, which is basic and polar, at codon 206 of the BBS4 protein (p.Thr206Lys). This variant is present in population databases (no rsID available, gnomAD 0.007%). This variant has not been reported in the literature in individuals affected with BBS4-related conditions. Advanced modeling of protein sequence and biophysical properties (such as structural, functional, and spatial information, amino acid conservation, physicochemical variation, residue mobility, and thermodynamic stability) has been performed at Invitae for this missense variant, however the output from this modeling did not meet the statistical confidence thresholds required to predict the impact of this variant on BBS4 protein function. In summary, the available evidence is currently insufficient to determine the role of this variant in disease. Therefore, it has been classified as a Variant of Uncertain Significance.

PreventionGenetics, part of Exact Sciences
Classification: Uncertain significance for BBS4-related condition. Last evaluated: 2024-08-16. Review status: no assertion criteria provided. Collection method: clinical testing. Allele origin: germline. Not counted in ClinVar's aggregate classification.
Comment: The BBS4 c.617C>A variant is predicted to result in the amino acid substitution p.Thr206Lys. To our knowledge, this variant has not been reported in the literature. This variant is reported in 0.0062% of alleles in individuals of African descent in gnomAD. At this time, the clinical significance of this variant is uncertain due to the absence of conclusive functional and genetic evidence.

NM_033028.5(BBS4):c.617C>A (p.Thr206Lys)

Gene: BBS4 (Bardet-Biedl syndrome 4; plus strand). Cytogenetic location: 15q24.1.
Variant type: single nucleotide variant.
Coding change: c.617C>A on transcript NM_033028.5 (MANE Select); coding-DNA position 617, C replaced by A.
Protein change: p.Thr206Lys; replaces threonine 206 with lysine.
Molecular consequence: missense variant. On other transcripts: non-coding transcript variant (2).
Genome position (GRCh38, 1-based): chr15:72,727,969, C>A. VCF-style: chr15-72727969-C-A. GRCh37 (hg19) VCF-style: chr15-73020310-C-A.
Other names: c.617C>A (NM_033028.4); c.101C>A, p.Thr34Lys (NM_001252678.2); c.617C>A, p.Thr206Lys (NM_001320665.2); short protein forms T34K, T206K.
Identifiers: ClinVar variation 2851272 (VCV002851272.4), dbSNP rs866794851, ClinGen allele CA272644870.
Genomic context (GRCh38, chr15:72,727,969, plus strand): 5'-TTGTTTCCCTCTGAGCATCTCTATGTTGCAGGTTCTCACCAGAAAATACAGAGCTTCTTA[C>A]AACTTTAGGATTACTCTACTTACAGGTAATGAAAACTCTGTACTCATTCATGCACTGATG-3'
Protein context (NP_149017.2, residues 196-216): EFSPENTELL[Thr206Lys]TLGLLYLQLG